The following is an entry in ClinVar:

ClinVar aggregate classification (germline): Uncertain significance. Review status: criteria provided, multiple submitters, no conflicts (2 of 4 stars). 2 submissions from 2 submitters: Uncertain significance (2). Last evaluated 2026-09-02.

Conditions:
Inborn genetic diseases. Identifiers: MedGen C0950123, MeSH D030342.

Submissions (2):

Ambry Genetics
Classification: Uncertain significance for Inborn genetic diseases. Last evaluated: 2026-09-02. Review status: criteria provided, single submitter. Criteria: Ambry Variant Classification Scheme 2023. Collection method: clinical testing. Allele origin: germline.

Women's Health and Genetics/Laboratory Corporation of America, LabCorp
Classification: Uncertain significance. Last evaluated: 2022-07-27. Review status: criteria provided, single submitter. Criteria: LabCorp Variant Classification Summary - May 2015. Collection method: clinical testing. Allele origin: germline.
Comment: Variant summary: CHD3 c.3895A>T (p.Ile1299Phe) results in a non-conservative amino acid change located in the Domain of unknown function DUF1087 (IPR009463) of the encoded protein sequence. Three of five in-silico tools predict a benign effect of the variant on protein function. 4/4 computational tools predict no significant impact on normal splicing. However, these predictions have yet to be confirmed by functional studies. The variant was absent in 250828 control chromosomes (gnomAD). The available data on variant occurrences in the general population are insufficient to allow any conclusion about variant significance. To our knowledge, no occurrence of c.3895A>T in individuals affected with Snijders Blok-Campeau Syndrome and no experimental evidence demonstrating its impact on protein function have been reported. No clinical diagnostic laboratories have submitted clinical-significance assessments for this variant to ClinVar after 2014. Based on the evidence outlined above, the variant was classified as uncertain significance.

NM_001005273.3(CHD3):c.3895A>T (p.Ile1299Phe)

Gene: CHD3 (chromodomain helicase DNA binding protein 3; plus strand). Cytogenetic location: 17p13.1.
Variant type: single nucleotide variant.
Coding change: c.3895A>T on transcript NM_001005273.3 (MANE Select); coding-DNA position 3895, A replaced by T.
Protein change: p.Ile1299Phe; replaces isoleucine 1299 with phenylalanine.
Molecular consequence: missense variant.
Genome position (GRCh38, 1-based): chr17:7,904,442, A>T. VCF-style: chr17-7904442-A-T. GRCh37 (hg19) VCF-style: chr17-7807760-A-T.
Other names: c.4072A>T (NM_001005271.2); c.4072A>T, p.Ile1358Phe (NM_001005271.3); c.3895A>T, p.Ile1299Phe (NM_005852.4); short protein forms I1299F, I1358F.
Identifiers: ClinVar variation 1704510 (VCV001704510.2), dbSNP rs2151615075, ClinGen allele CA397944009.